The following is an entry in ClinVar:

NM_015895.5(GMNN):c.-9A>G

Gene: GMNN (geminin DNA replication inhibitor; plus strand). Cytogenetic location: 6p22.3.
Variant type: single nucleotide variant.
Coding change: c.-9A>G on transcript NM_015895.5 (MANE Select); 9 bases upstream of the start codon, A replaced by G.
Molecular consequence: 5 prime UTR variant.
Genome position (GRCh38, 1-based): chr6:24,777,238, A>G. VCF-style: chr6-24777238-A-G. GRCh37 (hg19) VCF-style: chr6-24777466-A-G.
Other names: c.-9A>G (NM_001251989.2, NM_001251990.2, NM_001251991.1).
Identifiers: ClinVar variation 3049761 (VCV003049761.2), dbSNP rs148482261, ClinGen allele CA3658773.

ClinVar aggregate classification (germline): Benign (0 of 4 stars; one submission).

Conditions:
GMNN-related disorder. Also called: GMNN-related condition.

Allele frequency attached by ClinVar (database versions not stated): gnomAD exomes 0.00009; TOPMed 0.00038; gnomAD 0.00039; ExAC 0.00066; 1000 Genomes Project 30x 0.00265; 1000 Genomes Project 0.00300.
gnomAD v4.1: 172 of 1,351,632 alleles (0.013%); highest among the groups gnomAD compares: East Asian, 0.34%; 1 homozygote.

Submission:

PreventionGenetics, part of Exact Sciences
Classification: Benign for GMNN-related condition. Last evaluated: 2019-07-23. Review status: no assertion criteria provided. Collection method: clinical testing. Allele origin: germline.
Comment: This variant is classified as benign based on ACMG/AMP sequence variant interpretation guidelines (Richards et al. 2015 PMID: 25741868, with internal and published modifications).